The following is an entry in ClinVar:

ClinVar aggregate classification (germline): Likely benign (0 of 4 stars; one submission).

Conditions:
HDAC4-related disorder. Also called: HDAC4-related condition.

gnomAD v4.1: 8 of 1,613,946 alleles (0.0005%); highest among the groups gnomAD compares: Middle Eastern, 0.099%; 1 homozygote.

Submission:

PreventionGenetics, part of Exact Sciences
Classification: Likely benign for HDAC4-related condition. Last evaluated: 2019-07-23. Review status: no assertion criteria provided. Collection method: clinical testing. Allele origin: germline.
Comment: This variant is classified as likely benign based on ACMG/AMP sequence variant interpretation guidelines (Richards et al. 2015 PMID: 25741868, with internal and published modifications).

NM_001378414.1(HDAC4):c.2181G>T (p.Leu727=)

Gene: HDAC4 (histone deacetylase 4; minus strand). Cytogenetic location: 2q37.3.
Variant type: single nucleotide variant.
Coding change: c.2181G>T on transcript NM_001378414.1 (MANE Select); coding-DNA position 2181, G replaced by T.
Protein change: p.Leu727=; no amino-acid change (leucine 727 retained).
Molecular consequence: synonymous variant.
Genome position (GRCh38, 1-based): chr2:239,102,828, C>A on the plus strand (G>T on the coding strand, the complement: HDAC4 is on the minus strand). VCF-style: chr2-239102828-C-A. GRCh37 (hg19) VCF-style: chr2-240024524-C-A.
Other names: c.2181G>T, p.Leu727= (NM_001378415.1); c.2166G>T, p.Leu722= (NM_001378416.1, NM_001378417.1, NM_006037.4).
Identifiers: ClinVar variation 3049493 (VCV003049493.2), dbSNP rs865936404, ClinGen allele CA68021290.